The following is an entry in ClinVar:

NM_000261.2(MYOC):c.1441C>T (p.Pro481Ser)

Gene: MYOC (myocilin; minus strand). Cytogenetic location: 1q24.3.
Variant type: single nucleotide variant.
Coding change: c.1441C>T on transcript NM_000261.2 (MANE Select); coding-DNA position 1441, C replaced by T.
Protein change: p.Pro481Ser; replaces proline 481 with serine.
Molecular consequence: missense variant.
Genome position (GRCh38, 1-based): chr1:171,635,999, G>A on the plus strand (C>T on the coding strand, the complement: MYOC is on the minus strand). VCF-style: chr1-171635999-G-A. GRCh37 (hg19) VCF-style: chr1-171605139-G-A.
Other names: NM_000261.2:c.1441C>T; short protein forms P481S.
Identifiers: ClinVar variation 1686786 (VCV001686786.4), dbSNP rs763068244, ClinGen allele CA1244022.

ClinVar aggregate classification (germline): Uncertain significance (3 of 4 stars; one submission).

Conditions:
Open-angle glaucoma. Identifiers: MedGen C0017612, MONDO:0005338, HP:0012108.

Allele frequency attached by ClinVar (database versions not stated): gnomAD exomes below 0.00001 and 0.00001; ExAC 0.00001.

Submission:

ClinGen Glaucoma Variant Curation Expert Panel
Classification: Uncertain significance for Open-angle glaucoma. Last evaluated: 2026-02-04. Review status: reviewed by expert panel. Criteria: ClinGen Glaucoma ACMG Specifications V2.0.0 Approved. Collection method: curation. Allele origin: germline. Inheritance: Autosomal dominant inheritance.
Comment: The c.1441C>T variant in MYOC is a missense variant predicted to cause substitution of Proline by Serine at amino acid 481 (p.Pro481Ser). The highest minor allele frequency of this variant was in the East Asian genetic ancestry group of gnomAD (v4.1.0) = 0.00008911 (4 alleles out of 44,888), which met the ≤ 0.0001 threshold set for PM2_Supporting in a genetic ancestry group of at least 10,000 alleles. The REVEL score = 0.684, which was within the 0.644-0.772 range for PP3, predicting a damaging effect on MYOC function. The Pro481Ser protein was assessed in an assay (PMID: 35196929), however, the results for this protein were inconsistent and not included as evidence. Only 1 proband with primary open angle glaucoma had been reported (PMID: 15534471), not meeting the ≥ 2 probands threshold required to meet PS4_Supporting. In summary, this variant met the criteria to receive a score of 2 and to be classified as a variant of uncertain significance (uncertain significance classification range -1 to 5, adapted from PMID: 32720330) for primary open angle glaucoma based on the ACMG/AMP criteria met, as specified by the ClinGen Glaucoma VCEP (v2.0.0, 5 Dec 2024): PP3, PM2_Supporting.